The following is an entry in ClinVar:

NM_001379500.1(COL18A1):c.117C>G (p.Ser39Arg)

Gene: COL18A1 (collagen type XVIII alpha 1 chain; plus strand). Cytogenetic location: 21q22.3.
Variant type: single nucleotide variant.
Coding change: c.117C>G on transcript NM_001379500.1 (MANE Select); coding-DNA position 117, C replaced by G.
Protein change: p.Ser39Arg; replaces serine 39 with arginine.
Molecular consequence: missense variant.
Genome position (GRCh38, 1-based): chr21:45,468,252, C>G. VCF-style: chr21-45468252-C-G. GRCh37 (hg19) VCF-style: chr21-46888166-C-G.
Other names: c.657C>G, p.Ser219Arg (NM_030582.4); c.1362C>G, p.Ser454Arg (NM_130444.3); short protein forms S219R, S39R, S454R.
Identifiers: ClinVar variation 2696451 (VCV002696451.3), dbSNP rs781082227, ClinGen allele CA410511381.

ClinVar aggregate classification (germline): Uncertain significance (1 of 4 stars; one submission).

Submission:

Labcorp Genetics (formerly Invitae), Labcorp
Classification: Uncertain significance. Last evaluated: 2023-11-17. Review status: criteria provided, single submitter. Criteria: Invitae Variant Classification Sherloc (09022015). Collection method: clinical testing. Allele origin: germline.
Comment: This sequence change replaces serine, which is neutral and polar, with arginine, which is basic and polar, at codon 39 of the COL18A1 protein (p.Ser39Arg). This variant is not present in population databases (gnomAD no frequency). This variant has not been reported in the literature in individuals affected with COL18A1-related conditions. Algorithms developed to predict the effect of missense changes on protein structure and function output the following: SIFT: "Not Available"; PolyPhen-2: "Not Available"; Align-GVGD: "Not Available". The arginine amino acid residue is found in multiple mammalian species, which suggests that this missense change does not adversely affect protein function. In summary, the available evidence is currently insufficient to determine the role of this variant in disease. Therefore, it has been classified as a Variant of Uncertain Significance.